The following is an entry in ClinVar:

ClinVar aggregate classification (germline): Uncertain significance (1 of 4 stars; one submission).

Submission:

Labcorp Genetics (formerly Invitae), Labcorp
Classification: Uncertain significance. Last evaluated: 2021-04-05. Review status: criteria provided, single submitter. Criteria: Invitae Variant Classification Sherloc (09022015). Collection method: clinical testing. Allele origin: germline.
Comment: Advanced modeling of protein sequence and biophysical properties (such as structural, functional, and spatial information, amino acid conservation, physicochemical variation, residue mobility, and thermodynamic stability) performed at Invitae indicates that this missense variant is expected to disrupt ACO2 protein function. In summary, the available evidence is currently insufficient to determine the role of this variant in disease. Therefore, it has been classified as a Variant of Uncertain Significance. This variant has not been reported in the literature in individuals with ACO2-related conditions. This variant is not present in population databases (ExAC no frequency). This sequence change replaces alanine with valine at codon 425 of the ACO2 protein (p.Ala425Val). The alanine residue is highly conserved and there is a small physicochemical difference between alanine and valine.

NM_001098.3(ACO2):c.1274C>T (p.Ala425Val)

Gene: ACO2 (aconitase 2; plus strand). Cytogenetic location: 22q13.2.
Variant type: single nucleotide variant.
Coding change: c.1274C>T on transcript NM_001098.3 (MANE Select); coding-DNA position 1274, C replaced by T.
Protein change: p.Ala425Val; replaces alanine 425 with valine.
Molecular consequence: missense variant.
Genome position (GRCh38, 1-based): chr22:41,522,965, C>T. VCF-style: chr22-41522965-C-T. GRCh37 (hg19) VCF-style: chr22-41918969-C-T.
Other names: short protein forms A425V.
Identifiers: ClinVar variation 1494916 (VCV001494916.8), dbSNP rs2146134931, ClinGen allele CA411725169.
Genomic context (GRCh38, chr22:41,522,965, plus strand): 5'-CCCATGGCCTCAAGTGCAAGTCCCAGTTCACCATCACTCCAGGTTCCGAGCAGATCCGCG[C>T]CACCATTGAGCGGGACGGCTATGTGAGTGCCCATATCCCCCTGCCCATCTCCCCCACCCC-3'
Protein context (NP_001089.1, residues 415-435): TITPGSEQIR[Ala425Val]TIERDGYAQI